The following is an entry in ClinVar:

ClinVar aggregate classification (germline): Uncertain significance (1 of 4 stars; one submission).

gnomAD v4.1: 1 of 1,514,170 alleles (0.000066%); highest among the groups gnomAD compares: Non-Finnish European, 0.000088%; no homozygotes.

Submission:

Ambry Genetics
Classification: Uncertain significance. Last evaluated: 2021-12-04. Review status: criteria provided, single submitter. Criteria: Ambry Variant Classification Scheme 2023. Collection method: clinical testing. Allele origin: germline.
Comment: The p.R9P variant (also known as c.26G>C), located in coding exon 1 of the PRKDC gene, results from a G to C substitution at nucleotide position 26. The arginine at codon 9 is replaced by proline, an amino acid with dissimilar properties. This amino acid position is conserved. In addition, this alteration is predicted to be tolerated by in silico analysis. Since supporting evidence is limited at this time, the clinical significance of this alteration remains unclear.

NM_006904.7(PRKDC):c.26G>C (p.Arg9Pro)

Genes: PRKDC (protein kinase, DNA-activated, catalytic subunit; minus strand), LOC129929030 (ATAC-STARR-seq lymphoblastoid silent region 19177; plus strand). Cytogenetic location: 8q11.21.
Variant type: single nucleotide variant.
Coding change: c.26G>C on transcript NM_006904.7 (MANE Select); coding-DNA position 26, G replaced by C.
Protein change: p.Arg9Pro; replaces arginine 9 with proline.
Molecular consequence: missense variant.
Genome position (GRCh38, 1-based): chr8:47,960,101, C>G on the plus strand (G>C on the coding strand, the complement: PRKDC is on the minus strand). VCF-style: chr8-47960101-C-G. GRCh37 (hg19) VCF-style: chr8-48872661-C-G.
Other names: c.26G>C, p.Arg9Pro (NM_001081640.2); short protein forms R9P.
Identifiers: ClinVar variation 1794908 (VCV001794908.2), dbSNP rs1425909639, ClinGen allele CA371143084.